The following is an entry in ClinVar:

ClinVar aggregate classification (germline): Uncertain significance (1 of 4 stars; one submission).

Allele frequency attached by ClinVar (database versions not stated): gnomAD exomes below 0.00001; ExAC 0.00001.
gnomAD v4.1: 2 of 1,614,082 alleles (0.00012%); highest among the groups gnomAD compares: Non-Finnish European, 0.00017%; no homozygotes.

Submission:

Labcorp Genetics (formerly Invitae), Labcorp
Classification: Uncertain significance. Last evaluated: 2022-10-14. Review status: criteria provided, single submitter. Criteria: Invitae Variant Classification Sherloc (09022015). Collection method: clinical testing. Allele origin: germline.
Comment: This sequence change affects an acceptor splice site in intron 1 of the PRPF4 gene. It is expected to disrupt RNA splicing. Variants that disrupt the donor or acceptor splice site typically lead to a loss of protein function (PMID: 16199547), however the current clinical and genetic evidence is not sufficient to establish whether loss-of-function variants in PRPF4 cause disease. This variant is present in population databases (rs756810819, gnomAD 0.0009%). This variant has not been reported in the literature in individuals affected with PRPF4-related conditions. Algorithms developed to predict the effect of sequence changes on RNA splicing suggest that this variant may disrupt the consensus splice site. In summary, the available evidence is currently insufficient to determine the role of this variant in disease. Therefore, it has been classified as a Variant of Uncertain Significance.

Literature cited by the submitters: PubMed 16199547.

NM_001244926.2(PRPF4):c.28-4G>C

Gene: PRPF4 (pre-mRNA splicing tri-snRNP complex factor PRPF4; plus strand). Cytogenetic location: 9q32.
Variant type: single nucleotide variant.
Coding change: c.28-4G>C on transcript NM_001244926.2 (MANE Select); 4 bases into the intron before coding-DNA position 28, G replaced by C.
Molecular consequence: intron variant. On other transcripts: splice acceptor variant (2).
Genome position (GRCh38, 1-based): chr9:113,276,544, G>C. VCF-style: chr9-113276544-G-C. GRCh37 (hg19) VCF-style: chr9-116038824-G-C.
Other names: c.-741-1G>C (NM_001322267.2); c.28-1G>C (NM_004697.5); c.-738-4G>C (NM_001322266.2).
Identifiers: ClinVar variation 2035599 (VCV002035599.4), dbSNP rs756810819, ClinGen allele CA5194768.